The following is an entry in ClinVar:

NM_005559.4(LAMA1):c.687A>G (p.Gln229=)

Gene: LAMA1 (laminin subunit alpha 1; minus strand). Cytogenetic location: 18p11.31.
Variant type: single nucleotide variant.
Coding change: c.687A>G on transcript NM_005559.4 (MANE Select); coding-DNA position 687, A replaced by G.
Protein change: p.Gln229=; no amino-acid change (glutamine 229 retained).
Molecular consequence: synonymous variant.
Genome position (GRCh38, 1-based): chr18:7,049,159, T>C on the plus strand (A>G on the coding strand, the complement: LAMA1 is on the minus strand). VCF-style: chr18-7049159-T-C. GRCh37 (hg19) VCF-style: chr18-7049158-T-C.
Identifiers: ClinVar variation 4999250 (VCV004999250.1).

ClinVar aggregate classification (germline): Likely benign (1 of 4 stars; one submission).

Conditions:
LAMA1-related disorder. Also called: LAMA1-related disorders; LAMA1-related condition.

gnomAD v4.1: 1 of 1,614,108 alleles (0.000062%); highest among the groups gnomAD compares: East Asian, 0.0022%; no homozygotes.

Submission:

PreventionGenetics, part of Exact Sciences
Classification: Likely benign for LAMA1-related condition. Last evaluated: 2025-07-18. Review status: criteria provided, single submitter. Criteria: ACMG Guidelines, 2015. Collection method: clinical testing. Allele origin: germline.
Comment: This variant is classified as likely benign based on ACMG/AMP sequence variant interpretation guidelines (Richards et al. 2015 PMID: 25741868, with internal and published modifications).